The following is an entry in ClinVar:

NM_002076.4(GNS):c.5G>C (p.Arg2Pro)

Gene: GNS (glucosamine (N-acetyl)-6-sulfatase; minus strand). Cytogenetic location: 12q14.3.
Variant type: single nucleotide variant.
Coding change: c.5G>C on transcript NM_002076.4 (MANE Select); coding-DNA position 5, G replaced by C.
Protein change: p.Arg2Pro; replaces arginine 2 with proline.
Molecular consequence: missense variant.
Genome position (GRCh38, 1-based): chr12:64,759,272, C>G on the plus strand (G>C on the coding strand, the complement: GNS is on the minus strand). VCF-style: chr12-64759272-C-G. GRCh37 (hg19) VCF-style: chr12-65153052-C-G.
Other names: short protein forms R2P.
Identifiers: ClinVar variation 883408 (VCV000883408.10), dbSNP rs759075764, ClinGen allele CA238302654.

ClinVar aggregate classification (germline): Uncertain significance. Review status: criteria provided, multiple submitters, no conflicts (2 of 4 stars). 5 submissions from 5 submitters: Uncertain significance (4). 1 of the submissions does not count toward it. Last evaluated 2025-10-22.

Conditions:
Sanfilippo syndrome. Also called: Mucopolysaccharidosis Type III; Mucopolysaccharidosis type 3; Sanfilippo disease. Identifiers: Orphanet 581, MedGen C0026706, MONDO:0018937.
Inborn genetic diseases. Identifiers: MedGen C0950123, MeSH D030342.
Mucopolysaccharidosis, MPS-III-D (MPS3D). Also called: MPS III D; Mucopoly-saccharidosis type 3D; N-acetylglucosamine-6-sulfate sulfatase deficiency; MPS 3D; MUCOPOLYSACCHARIDOSIS, TYPE IIID; N-ACETYLGLUCOSAMINE-6-SULFATASE DEFICIENCY. Identifiers: Orphanet 581, Orphanet 79272, MedGen C0086650, MONDO:0009658, OMIM 252940.

Allele frequency attached by ClinVar (database versions not stated): gnomAD 0.00016 and 0.00017; gnomAD exomes 0.00017; TOPMed 0.00021.
gnomAD v4.1: 488 of 1,519,998 alleles (0.032%); highest among the groups gnomAD compares: Non-Finnish European, 0.041%; 1 homozygote.

Submissions (5):

Ambry Genetics
Classification: Uncertain significance for Inborn genetic diseases. Last evaluated: 2025-10-22. Review status: criteria provided, single submitter. Criteria: Ambry Variant Classification Scheme 2023. Collection method: clinical testing. Allele origin: germline.
Comment: The c.5G>C (p.R2P) alteration is located in exon 1 (coding exon 1) of the GNS gene. This alteration results from a G to C substitution at nucleotide position 5, causing the arginine (R) at amino acid position 2 to be replaced by a proline (P). Based on data from gnomAD, the C allele has an overall frequency of 0.016% (25/152262) total alleles studied. The highest observed frequency was 0.033% (20/60234) of European (non-Finnish) alleles. Based on insufficient or conflicting evidence, the clinical significance of this alteration remains unclear.

Labcorp Genetics (formerly Invitae), Labcorp
Classification: Uncertain significance for Mucopolysaccharidosis, MPS-III-D. Last evaluated: 2022-08-19. Review status: criteria provided, single submitter. Criteria: Invitae Variant Classification Sherloc (09022015). Collection method: clinical testing. Allele origin: germline.
Comment: This sequence change replaces arginine, which is basic and polar, with proline, which is neutral and non-polar, at codon 2 of the GNS protein (p.Arg2Pro). This variant is present in population databases (rs759075764, gnomAD 0.04%). This variant has not been reported in the literature in individuals affected with GNS-related conditions. ClinVar contains an entry for this variant (Variation ID: 883408). Algorithms developed to predict the effect of missense changes on protein structure and function are either unavailable or do not agree on the potential impact of this missense change (SIFT: "Deleterious"; PolyPhen-2: "Not Available"; Align-GVGD: "Class C0"). In summary, the available evidence is currently insufficient to determine the role of this variant in disease. Therefore, it has been classified as a Variant of Uncertain Significance.

Department of Pathology and Laboratory Medicine, Sinai Health System
Classification: Uncertain significance for Mucopolysaccharidosis, MPS-III-D. Last evaluated: 2021-12-13. Review status: criteria provided, single submitter. Criteria: ACMG Guidelines, 2015. Collection method: research. Allele origin: germline.

Illumina Laboratory Services, Illumina
Classification: Uncertain significance for Mucopolysaccharidosis, MPS-III-D. Last evaluated: 2018-01-13. Review status: criteria provided, single submitter. Criteria: ICSL Variant Classification Criteria 13 December 2019. Collection method: clinical testing. Allele origin: germline.

Natera, Inc.
Classification: Uncertain significance for Sanfilippo disease. Last evaluated: 2020-01-24. Review status: no assertion criteria provided. Collection method: clinical testing. Allele origin: germline. Not counted in ClinVar's aggregate classification.